The following is an entry in ClinVar:

ClinVar aggregate classification (germline): Pathogenic/Likely pathogenic. Review status: criteria provided, multiple submitters, no conflicts (2 of 4 stars). 6 submissions from 6 submitters: Pathogenic (3); Likely pathogenic (2). 1 of the submissions does not count toward it. Last evaluated 2026-09-10.

Conditions:
Retinitis pigmentosa (RP). Identifiers: Orphanet 791, MedGen C0035334, MeSH D012174, MONDO:0019200, OMIM 268000. Inheritance: Autosomal dominant, autosomal recessive and X linked inheritance.
PRPH2-related disorder. Also called: PRPH2-related condition; PRPH2-related disorders. Identifiers: MedGen CN239395.

Allele frequency attached by ClinVar (database versions not stated): TOPMed below 0.00001.

Submissions (6):

PreventionGenetics, part of Exact Sciences
Classification: Pathogenic for PRPH2-related condition. Last evaluated: 2026-09-10. Review status: criteria provided, single submitter. Criteria: ACMG Guidelines, 2015. Collection method: clinical testing. Allele origin: germline.
Comment: The PRPH2 c.389T>C variant is predicted to result in the amino acid substitution p.Leu130Pro. This variant has been reported in the heterozygous state in individuals with retinitis pigmentosa (Fakin et al. 2012. PubMed ID: 22842402; Table S1, Stone et al. 2017. PubMed ID: 28559085; Table S2, Peeters et al. 2021. PubMed ID: 34411390). At PreventionGenetics this variant has been detected in at least five unrelated individuals undergoing testing for retinal disease (internal data). This missense variant is predicted to be damaging to the encoded protein (REVEL score >0.773, Ioannidis et al. 2016. PubMed ID: 27666373). This variant is absent in a large population database (gnomAD), indicating this variant is rare, and this variant is consistently classified as likely pathogenic or pathogenic in ClinVar (Variation ID: 942510). This variant is interpreted as pathogenic for autosomal dominant disease.

Labcorp Genetics (formerly Invitae), Labcorp
Classification: Pathogenic for PRPH2-related disorder. Last evaluated: 2024-11-04. Review status: criteria provided, single submitter. Criteria: Invitae Variant Classification Sherloc (09022015). Collection method: clinical testing. Allele origin: germline.
Comment: This sequence change replaces leucine, which is neutral and non-polar, with proline, which is neutral and non-polar, at codon 130 of the PRPH2 protein (p.Leu130Pro). This variant is not present in population databases (gnomAD no frequency). This missense change has been observed in individuals with autosomal dominant retinitis pigmentosa (PMID: 22842402, 23950152, 28559085; internal data). It has also been observed to segregate with disease in related individuals. ClinVar contains an entry for this variant (Variation ID: 942510). Invitae Evidence Modeling of protein sequence and biophysical properties (such as structural, functional, and spatial information, amino acid conservation, physicochemical variation, residue mobility, and thermodynamic stability) indicates that this missense variant is expected to disrupt PRPH2 protein function with a positive predictive value of 95%. For these reasons, this variant has been classified as Pathogenic.

GeneDx
Classification: Likely pathogenic. Last evaluated: 2024-10-18. Review status: criteria provided, single submitter. Criteria: GeneDx Variant Classification Process June 2021. Collection method: clinical testing. Allele origin: germline. Affected: yes.
Comment: Not observed at significant frequency in large population cohorts (gnomAD); In silico analysis supports that this missense variant has a deleterious effect on protein structure/function; This variant is associated with the following publications: (PMID: 22842402, 28559085, 23950152, 32531846, 34411390)

Blueprint Genetics
Classification: Pathogenic for PRPH2-related disorders. Last evaluated: 2022-09-07. Review status: criteria provided, single submitter. Criteria: ACMG Guidelines, 2015. Collection method: clinical testing. Allele origin: germline. Affected: yes. Observed: 5 variant alleles.

NEI Ophthalmic Genomics Laboratory, National Institutes of Health
Classification: Likely pathogenic for Retinitis pigmentosa. Last evaluated: 2020-01-07. Review status: criteria provided, single submitter. Criteria: ACMG Guidelines, 2015. Collection method: clinical testing. Allele origin: germline. Affected: yes.
Comment: The variant NM_000322.4:c.389T>C in the PRPH2 gene has been previously studied (PMIDs 22842402, 28559085). We found this variant in 4 patient(s) in a PRPH2 cohort study (Reeves et al. 2020). This variant is listed in dbSNP and/or HGMD (CM127034). It is absent in gnomAD browser. It is enriched in the PRPH2 disease cohort. We invoked ACMG criteria [PS4, PM2, PP3, PP1] and classified NM_000322.4:c.389T>C in the PRPH2 gene as a Likely Pathogenic mutation.

Leiden Open Variation Database
Classification: Likely pathogenic. Last evaluated: 2021-04-06. Review status: no assertion criteria provided. Collection method: curation. Allele origin: germline. Affected: yes. Not counted in ClinVar's aggregate classification.
Comment: Curator: Global Variome, with Curator vacancy. Submitters to LOVD: LOVD, Manon Peeters.

Literature cited by the submitters: PubMed 22842402 (cited by Labcorp Genetics (formerly Invitae), Labcorp and Leiden Open Variation Database); PubMed 23950152 (cited by Labcorp Genetics (formerly Invitae), Labcorp and Leiden Open Variation Database); PubMed 28559085 (cited by Labcorp Genetics (formerly Invitae), Labcorp and Leiden Open Variation Database); PubMed 32531846 (cited by Leiden Open Variation Database).

NM_000322.5(PRPH2):c.389T>C (p.Leu130Pro)

Gene: PRPH2 (peripherin 2; minus strand). Cytogenetic location: 6p21.1.
Variant type: single nucleotide variant.
Coding change: c.389T>C on transcript NM_000322.5 (MANE Select); coding-DNA position 389, T replaced by C.
Protein change: p.Leu130Pro; replaces leucine 130 with proline.
Molecular consequence: missense variant.
Genome position (GRCh38, 1-based): chr6:42,721,946, A>G on the plus strand (T>C on the coding strand, the complement: PRPH2 is on the minus strand). VCF-style: chr6-42721946-A-G. GRCh37 (hg19) VCF-style: chr6-42689684-A-G.
Other names: short protein forms L130P.
Identifiers: ClinVar variation 942510 (VCV000942510.14), dbSNP rs1761911206, ClinGen allele CA364137665.